The following is an entry in ClinVar:

NM_000052.7(ATP7A):c.4085C>A (p.Ala1362Asp)

Gene: ATP7A (ATPase copper transporting alpha; plus strand). Cytogenetic location: Xq21.1.
Variant type: single nucleotide variant.
Coding change: c.4085C>A on transcript NM_000052.7 (MANE Select); coding-DNA position 4085, C replaced by A.
Protein change: p.Ala1362Asp; replaces alanine 1362 with aspartic acid.
Molecular consequence: missense variant. On other transcripts: non-coding transcript variant (1).
Genome position (GRCh38, 1-based): chrX:78,043,396, C>A. VCF-style: chrX-78043396-C-A. GRCh37 (hg19) VCF-style: chrX-77298894-C-A.
Other names: c.3851C>A, p.Ala1284Asp (NM_001282224.2); short protein forms A1284D, A1362D.
Identifiers: ClinVar variation 2571477 (VCV002571477.2), dbSNP rs2149112273, ClinGen allele CA413605636.

ClinVar aggregate classification (germline): Likely pathogenic. Review status: criteria provided, single submitter (1 of 4 stars). 2 submissions from 2 submitters: Likely pathogenic (1). 1 of the submissions does not count toward it. Last evaluated 2025-02-26.

Conditions:
Menkes kinky-hair syndrome (MNK). Also called: Copper transport disease; Menkes Disease; Classic Menkes Disease. Identifiers: Orphanet 565, MedGen C0022716, MONDO:0010651, OMIM 309400.

Submissions (2):

Women's Health and Genetics/Laboratory Corporation of America, LabCorp
Classification: Likely pathogenic for Menkes kinky-hair syndrome. Last evaluated: 2025-02-26. Review status: criteria provided, single submitter. Criteria: LabCorp Variant Classification Summary - May 2015. Collection method: clinical testing. Allele origin: germline.
Comment: Variant summary: ATP7A c.4085C>A (p.Ala1362Asp) results in a non-conservative amino acid change in the encoded protein sequence. Five of five in-silico tools predict a damaging effect of the variant on protein function. The variant was absent in 183294 control chromosomes. c.4085C>A has been reported in the literature in two siblings in a family affected with Menkes Kinky-Hair Syndrome (Donsante_2007). These data indicate that the variant may be associated with disease. At least one publication reports experimental evidence evaluating an impact on protein function (Donsante_2007, Vonk_2012). The most pronounced variant effect results in 17% of normal activity in lymphocytes and fibroblasts from a patient, largely due to protein misfolding and failure to translocation to the plasma membrane in the presence of copper (Vonk_2012). The following publications have been ascertained in the context of this evaluation (PMID: 17496194, 10463276, 21667063). ClinVar contains an entry for this variant (Variation ID: 2571477). Based on the evidence outlined above, the variant was classified as likely pathogenic.

Inherited Neuropathy Consortium Ii, University Of Miami
Classification: Uncertain significance for Menkes kinky-hair syndrome. Last evaluated: 2016-01-06. Review status: no assertion criteria provided. Collection method: literature only. Allele origin: germline. Affected: yes. Not counted in ClinVar's aggregate classification.

Literature cited by the submitters: PubMed 17496194 (cited by Women's Health and Genetics/Laboratory Corporation of America, LabCorp); PubMed 10463276 (cited by Women's Health and Genetics/Laboratory Corporation of America, LabCorp); PubMed 21667063 (cited by Women's Health and Genetics/Laboratory Corporation of America, LabCorp); PubMed 23035047 (cited by Inherited Neuropathy Consortium Ii, University Of Miami).